The following is an entry in ClinVar:

NM_001277115.2(DNAH11):c.8444T>G (p.Leu2815Ter)

Gene: DNAH11 (dynein axonemal heavy chain 11; plus strand). Cytogenetic location: 7p15.3.
Variant type: single nucleotide variant.
Coding change: c.8444T>G on transcript NM_001277115.2 (MANE Select); coding-DNA position 8444, T replaced by G.
Protein change: p.Leu2815Ter; replaces leucine 2815 with a stop codon.
Molecular consequence: nonsense.
Genome position (GRCh38, 1-based): chr7:21,744,997, T>G. VCF-style: chr7-21744997-T-G. GRCh37 (hg19) VCF-style: chr7-21784615-T-G.
Other names: short protein forms L2815*.
Identifiers: ClinVar variation 1426697 (VCV001426697.6), dbSNP rs1293819249, ClinGen allele CA366954196.

ClinVar aggregate classification (germline): Pathogenic (1 of 4 stars; one submission).

Conditions:
Primary ciliary dyskinesia. Also called: Ciliary dyskinesia. Identifiers: Orphanet 244, MedGen C0008780, MONDO:0016575, HP:0012265.

Submission:

Labcorp Genetics (formerly Invitae), Labcorp
Classification: Pathogenic for Primary ciliary dyskinesia. Last evaluated: 2021-09-24. Review status: criteria provided, single submitter. Criteria: Invitae Variant Classification Sherloc (09022015). Collection method: clinical testing. Allele origin: germline.
Comment: For these reasons, this variant has been classified as Pathogenic. This variant has not been reported in the literature in individuals affected with DNAH11-related conditions. This variant is not present in population databases (ExAC no frequency). This sequence change creates a premature translational stop signal (p.Leu2815*) in the DNAH11 gene. It is expected to result in an absent or disrupted protein product. Loss-of-function variants in DNAH11 are known to be pathogenic (PMID: 18022865, 20513915, 22184204).

Literature cited by the submitters: PubMed 18022865; PubMed 20513915; PubMed 22184204.